The following is an entry in ClinVar:

ClinVar aggregate classification (germline): Uncertain significance (1 of 4 stars; one submission).

Allele frequency attached by ClinVar (database versions not stated): TOPMed 0.00001; gnomAD 0.00003; ESP Exome Variant Server 0.00008.
gnomAD v4.1: 40 of 1,578,250 alleles (0.0025%); highest among the groups gnomAD compares: East Asian, 0.0046%; no homozygotes.

Submission:

Labcorp Genetics (formerly Invitae), Labcorp
Classification: Uncertain significance. Last evaluated: 2022-05-18. Review status: criteria provided, single submitter. Criteria: Invitae Variant Classification Sherloc (09022015). Collection method: clinical testing. Allele origin: germline.
Comment: This sequence change replaces arginine, which is basic and polar, with histidine, which is basic and polar, at codon 223 of the NKX3-2 protein (p.Arg223His). This variant is present in population databases (rs376860038, gnomAD 0.01%). This variant has not been reported in the literature in individuals affected with NKX3-2-related conditions. Algorithms developed to predict the effect of missense changes on protein structure and function (SIFT, PolyPhen-2, Align-GVGD) all suggest that this variant is likely to be disruptive. In summary, the available evidence is currently insufficient to determine the role of this variant in disease. Therefore, it has been classified as a Variant of Uncertain Significance.

NM_001189.4(NKX3-2):c.668G>A (p.Arg223His)

Genes: NKX3-2 (NK3 homeobox 2; minus strand), LOC129992265 (ATAC-STARR-seq lymphoblastoid silent region 15286; plus strand). Cytogenetic location: 4p15.33.
Variant type: single nucleotide variant.
Coding change: c.668G>A on transcript NM_001189.4 (MANE Select); coding-DNA position 668, G replaced by A.
Protein change: p.Arg223His; replaces arginine 223 with histidine.
Molecular consequence: missense variant.
Genome position (GRCh38, 1-based): chr4:13,542,327, C>T on the plus strand (G>A on the coding strand, the complement: NKX3-2 is on the minus strand). VCF-style: chr4-13542327-C-T. GRCh37 (hg19) VCF-style: chr4-13543951-C-T.
Other names: short protein forms R223H.
Identifiers: ClinVar variation 1983001 (VCV001983001.1), dbSNP rs376860038, ClinGen allele CA2860329.